The following is an entry in ClinVar:

NM_001040108.2(MLH3):c.1671T>C (p.Ala557=)

Gene: MLH3 (mutL homolog 3; minus strand). Cytogenetic location: 14q24.3.
Variant type: single nucleotide variant.
Coding change: c.1671T>C on transcript NM_001040108.2 (MANE Select); coding-DNA position 1671, T replaced by C.
Protein change: p.Ala557=; no amino-acid change (alanine 557 retained).
Molecular consequence: synonymous variant.
Genome position (GRCh38, 1-based): chr14:75,047,985, A>G on the plus strand (T>C on the coding strand, the complement: MLH3 is on the minus strand). VCF-style: chr14-75047985-A-G. GRCh37 (hg19) VCF-style: chr14-75514688-A-G.
Other names: c.1671T>C, p.Ala557= (NM_014381.3).
Identifiers: ClinVar variation 718134 (VCV000718134.13), dbSNP rs1043994086, ClinGen allele CA263652889.

ClinVar aggregate classification (germline): Benign/Likely benign. Review status: criteria provided, multiple submitters, no conflicts (2 of 4 stars). 3 submissions from 3 submitters: Benign (1); Likely benign (2). Last evaluated 2026-04-30.

Conditions:
Colorectal cancer, hereditary nonpolyposis, type 7. Identifiers: Orphanet 144, MedGen C1858380, MONDO:0013725, OMIM 614385.

Allele frequency attached by ClinVar (database versions not stated): gnomAD exomes below 0.00001.
gnomAD v4.1: 2 of 1,614,144 alleles (0.00012%); highest among the groups gnomAD compares: Non-Finnish European, 0.00017%; no homozygotes.

Submissions (3):

Myriad Genetics, Inc.
Classification: Benign for Colorectal cancer, hereditary nonpolyposis, type 7. Last evaluated: 2026-04-30. Review status: criteria provided, single submitter. Criteria: Myriad Autosomal Dominant, Autosomal Recessive and X-Linked Classification Criteria (2023). Collection method: clinical testing. Allele origin: unknown.
Comment: This variant is considered benign. This variant is a silent/synonymous amino acid change and it is not expected to impact splicing.

Ambry Genetics
Classification: Likely benign. Last evaluated: 2023-05-28. Review status: criteria provided, single submitter. Criteria: Ambry Variant Classification Scheme 2023. Collection method: clinical testing. Allele origin: germline.

Labcorp Genetics (formerly Invitae), Labcorp
Classification: Likely benign for Colorectal cancer, hereditary nonpolyposis, type 7. Last evaluated: 2019-11-11. Review status: criteria provided, single submitter. Criteria: Invitae Variant Classification Sherloc (09022015). Collection method: clinical testing. Allele origin: germline.